The following is an entry in ClinVar:

NM_152393.3(KLHL40):c.-393G>A

Gene: KLHL40 (kelch like family member 40; plus strand). Cytogenetic location: 3p22.1.
Variant type: single nucleotide variant.
Coding change: c.-393G>A on transcript NM_152393.3; 393 bases upstream of the start codon, G replaced by A.
Genome position (GRCh38, 1-based): chr3:42,685,226, G>A. VCF-style: chr3-42685226-G-A. GRCh37 (hg19) VCF-style: chr3-42726718-G-A.
Identifiers: ClinVar variation 683981 (VCV000683981.3), dbSNP rs3888652, ClinGen allele CA11359138.

ClinVar aggregate classification (germline): Benign (1 of 4 stars; one submission).

Allele frequency attached by ClinVar (database versions not stated): TOPMed 0.27206; gnomAD 0.27423 and 0.27590; 1000 Genomes Project 30x 0.26811; 1000 Genomes Project 0.27077.

Submission:

GeneDx
Classification: Benign. Last evaluated: 2018-06-18. Review status: criteria provided, single submitter. Criteria: GeneDx Variant Classification (06012015). Collection method: clinical testing. Allele origin: germline. Affected: yes.
Comment: This variant is considered likely benign or benign based on one or more of the following criteria: it is a conservative change, it occurs at a poorly conserved position in the protein, it is predicted to be benign by multiple in silico algorithms, and/or has population frequency not consistent with disease.